The following is an entry in ClinVar:

ClinVar aggregate classification (germline): Uncertain significance (1 of 4 stars; one submission).

Conditions:
Glycogen storage disease type III (GSD3). Also called: Cori disease; FORBES DISEASE. Identifiers: Orphanet 366, MedGen C0017922, MONDO:0009291, OMIM 232400.

Allele frequency attached by ClinVar (database versions not stated): gnomAD exomes below 0.00001.
gnomAD v4.1: 3 of 1,613,888 alleles (0.00019%); highest among the groups gnomAD compares: Non-Finnish European, 0.00025%; no homozygotes.

Submission:

Labcorp Genetics (formerly Invitae), Labcorp
Classification: Uncertain significance for Glycogen storage disease type III. Last evaluated: 2022-06-08. Review status: criteria provided, single submitter. Criteria: Invitae Variant Classification Sherloc (09022015). Collection method: clinical testing. Allele origin: germline.
Comment: This sequence change replaces glutamic acid, which is acidic and polar, with glycine, which is neutral and non-polar, at codon 30 of the AGL protein (p.Glu30Gly). This variant is not present in population databases (gnomAD no frequency). This variant has not been reported in the literature in individuals affected with AGL-related conditions. Algorithms developed to predict the effect of missense changes on protein structure and function are either unavailable or do not agree on the potential impact of this missense change (SIFT: "Tolerated"; PolyPhen-2: "Possibly Damaging"; Align-GVGD: "Class C0"). In summary, the available evidence is currently insufficient to determine the role of this variant in disease. Therefore, it has been classified as a Variant of Uncertain Significance.

NM_000642.3(AGL):c.89A>G (p.Glu30Gly)

Gene: AGL (amylo-alpha-1,6-glucosidase and 4-alpha-glucanotransferase; plus strand). Cytogenetic location: 1p21.2.
Variant type: single nucleotide variant.
Coding change: c.89A>G on transcript NM_000642.3 (MANE Select); coding-DNA position 89, A replaced by G.
Protein change: p.Glu30Gly; replaces glutamic acid 30 with glycine.
Molecular consequence: missense variant.
Genome position (GRCh38, 1-based): chr1:99,861,509, A>G. VCF-style: chr1-99861509-A-G. GRCh37 (hg19) VCF-style: chr1-100327065-A-G.
Other names: c.89A>G, p.Glu30Gly (NM_000028.3, NM_000643.3, NM_000644.3 and 5 more transcripts); c.41A>G, p.Glu14Gly (NM_000646.3); short protein forms E14G, E30G.
Identifiers: ClinVar variation 2166791 (VCV002166791.1), dbSNP rs2101084442, ClinGen allele CA341328884.